The following is an entry in ClinVar:

NM_002951.5(RPN2):c.185G>C (p.Gly62Ala)

Gene: RPN2 (ribophorin II; plus strand). Cytogenetic location: 20q11.23.
Variant type: single nucleotide variant.
Coding change: c.185G>C on transcript NM_002951.5 (MANE Select); coding-DNA position 185, G replaced by C.
Protein change: p.Gly62Ala; replaces glycine 62 with alanine.
Molecular consequence: missense variant. On other transcripts: 5 prime UTR variant (1).
Genome position (GRCh38, 1-based): chr20:37,184,351, G>C. VCF-style: chr20-37184351-G-C. GRCh37 (hg19) VCF-style: chr20-35812754-G-C.
Other names: c.185G>C, p.Gly62Ala (NM_001135771.3, NM_001324299.2, NM_001324301.2 and 4 more transcripts); c.-15G>C (NM_001324306.2); short protein forms G62A.
Identifiers: ClinVar variation 2746907 (VCV002746907.3), dbSNP rs2515678129, ClinGen allele CA408848286.

ClinVar aggregate classification (germline): Uncertain significance (1 of 4 stars; one submission).

Conditions:
Congenital disorder of glycosylation (CDG). Also called: Congenital disorders of glycosylation; Carbohydrate-deficient glycoprotein syndrome. Identifiers: Orphanet 137, MedGen C0282577, MONDO:0015286.

Submission:

Labcorp Genetics (formerly Invitae), Labcorp
Classification: Uncertain significance for Congenital disorder of glycosylation. Last evaluated: 2023-07-27. Review status: criteria provided, single submitter. Criteria: Invitae Variant Classification Sherloc (09022015). Collection method: clinical testing. Allele origin: germline.
Comment: This variant is not present in population databases (gnomAD no frequency). In summary, the available evidence is currently insufficient to determine the role of this variant in disease. Therefore, it has been classified as a Variant of Uncertain Significance. An algorithm developed to predict the effect of missense changes on protein structure and function (PolyPhen-2) suggests that this variant is likely to be disruptive. This variant has not been reported in the literature in individuals affected with RPN2-related conditions. This sequence change replaces glycine, which is neutral and non-polar, with alanine, which is neutral and non-polar, at codon 62 of the RPN2 protein (p.Gly62Ala).